The following is an entry in ClinVar:

NM_001457.4(FLNB):c.2743C>G (p.Gln915Glu)

Gene: FLNB (filamin B; plus strand). Cytogenetic location: 3p14.3.
Variant type: single nucleotide variant.
Coding change: c.2743C>G on transcript NM_001457.4 (MANE Select); coding-DNA position 2743, C replaced by G.
Protein change: p.Gln915Glu; replaces glutamine 915 with glutamic acid.
Molecular consequence: missense variant.
Genome position (GRCh38, 1-based): chr3:58,112,316, C>G. VCF-style: chr3-58112316-C-G. GRCh37 (hg19) VCF-style: chr3-58098043-C-G.
Other names: c.2743C>G, p.Gln915Glu (NM_001164317.2, NM_001164318.2, NM_001164319.2); c.2743C>G (NM_001457.3); short protein forms Q915E.
Identifiers: ClinVar variation 1000778 (VCV001000778.6), dbSNP rs1159079729, ClinGen allele CA353346109.

ClinVar aggregate classification (germline): Uncertain significance. Review status: criteria provided, multiple submitters, no conflicts (2 of 4 stars). 2 submissions from 2 submitters: Uncertain significance (2). Last evaluated 2023-10-09.

Conditions:
FLNB-related disorder. Also called: FLNB-related disorders; FLNB-related condition. Identifiers: MedGen CN381095.

Submissions (2):

PreventionGenetics, part of Exact Sciences
Classification: Uncertain significance for FLNB-related condition. Last evaluated: 2023-10-09. Review status: criteria provided, single submitter. Criteria: ACMG Guidelines, 2015. Collection method: clinical testing. Allele origin: germline.
Comment: The FLNB c.2743C>G variant is predicted to result in the amino acid substitution p.Gln915Glu. To our knowledge, this variant has not been reported in the literature or in a large population database, indicating this variant is rare. At this time, the clinical significance of this variant is uncertain due to the absence of conclusive functional and genetic evidence.

Labcorp Genetics (formerly Invitae), Labcorp
Classification: Uncertain significance. Last evaluated: 2020-09-17. Review status: criteria provided, single submitter. Criteria: Invitae Variant Classification Sherloc (09022015). Collection method: clinical testing. Allele origin: germline.
Comment: In summary, the available evidence is currently insufficient to determine the role of this variant in disease. Therefore, it has been classified as a Variant of Uncertain Significance. Algorithms developed to predict the effect of missense changes on protein structure and function are either unavailable or do not agree on the potential impact of this missense change (SIFT: "Deleterious"; PolyPhen-2: "Benign"; Align-GVGD: "Class C25"). This variant has not been reported in the literature in individuals with FLNB-related conditions. This variant is not present in population databases (ExAC no frequency). This sequence change replaces glutamine with glutamic acid at codon 915 of the FLNB protein (p.Gln915Glu). The glutamine residue is highly conserved and there is a small physicochemical difference between glutamine and glutamic acid.